The following is an entry in ClinVar:

NM_001363711.2(DUOX2):c.2732C>T (p.Ser911Leu)

Gene: DUOX2 (dual oxidase 2; minus strand). Cytogenetic location: 15q21.1.
Variant type: single nucleotide variant.
Coding change: c.2732C>T on transcript NM_001363711.2 (MANE Select); coding-DNA position 2732, C replaced by T.
Protein change: p.Ser911Leu; replaces serine 911 with leucine.
Molecular consequence: missense variant.
Genome position (GRCh38, 1-based): chr15:45,101,912, G>A on the plus strand (C>T on the coding strand, the complement: DUOX2 is on the minus strand). VCF-style: chr15-45101912-G-A. GRCh37 (hg19) VCF-style: chr15-45394110-G-A.
Other names: c.2732C>T, p.Ser911Leu (NM_014080.5); short protein forms S911L.
Identifiers: ClinVar variation 2137664 (VCV002137664.3), dbSNP rs745729386, ClinGen allele CA7538160.

ClinVar aggregate classification (germline): Uncertain significance (1 of 4 stars; one submission).

Allele frequency attached by ClinVar (database versions not stated): ExAC 0.00002; TOPMed 0.00002; gnomAD 0.00003.

Submission:

Labcorp Genetics (formerly Invitae), Labcorp
Classification: Uncertain significance. Last evaluated: 2024-05-19. Review status: criteria provided, single submitter. Criteria: Invitae Variant Classification Sherloc (09022015). Collection method: clinical testing. Allele origin: germline.
Comment: This sequence change replaces serine, which is neutral and polar, with leucine, which is neutral and non-polar, at codon 911 of the DUOX2 protein (p.Ser911Leu). This variant is present in population databases (rs745729386, gnomAD 0.007%). This missense change has been observed in individual(s) with congenital hypothyroidism (PMID: 19789206). ClinVar contains an entry for this variant (Variation ID: 2137664). Advanced modeling of protein sequence and biophysical properties (such as structural, functional, and spatial information, amino acid conservation, physicochemical variation, residue mobility, and thermodynamic stability) performed at Invitae indicates that this missense variant is not expected to disrupt DUOX2 protein function with a negative predictive value of 80%. Experimental studies have shown that this missense change affects DUOX2 function (PMID: 19789206). In summary, the available evidence is currently insufficient to determine the role of this variant in disease. Therefore, it has been classified as a Variant of Uncertain Significance.

Literature cited by the submitters: PubMed 19789206.